The following is an entry in ClinVar:

NM_025137.4(SPG11):c.2012A>G (p.His671Arg)

Gene: SPG11 (SPG11 vesicle trafficking associated, spatacsin; minus strand). Cytogenetic location: 15q21.1.
Variant type: single nucleotide variant.
Coding change: c.2012A>G on transcript NM_025137.4 (MANE Select); coding-DNA position 2012, A replaced by G.
Protein change: p.His671Arg; replaces histidine 671 with arginine.
Molecular consequence: missense variant.
Genome position (GRCh38, 1-based): chr15:44,628,724, T>C on the plus strand (A>G on the coding strand, the complement: SPG11 is on the minus strand). VCF-style: chr15-44628724-T-C. GRCh37 (hg19) VCF-style: chr15-44920922-T-C.
Other names: c.2012A>G, p.His671Arg (NM_001160227.2); short protein forms H671R.
Identifiers: ClinVar variation 941875 (VCV000941875.10), dbSNP rs189306815, ClinGen allele CA7535372.

ClinVar aggregate classification (germline): Uncertain significance. Review status: criteria provided, multiple submitters, no conflicts (2 of 4 stars). 3 submissions from 3 submitters: Uncertain significance (3). Last evaluated 2026-08-03.

Conditions:
SPG11-related disorder. Also called: SPG11-related condition.
Hereditary spastic paraplegia 11. Also called: Nakamura Osame syndrome; Autosomal recessive hereditary spastic paraplegia, mental impairment, and thin corpus callosum; Spastic paraplegia, mental retardation and thin corpus callosum; Spastic Paraplegia 11; SPASTIC PARAPLEGIA, AUTOSOMAL RECESSIVE, COMPLICATED, WITH THIN CORPUS CALLOSUM; SPASTIC PARAPLEGIA, AUTOSOMAL RECESSIVE, WITH MENTAL IMPAIRMENT AND THIN CORPUS CALLOSUM. Identifiers: Orphanet 2822, MedGen C1858479, MONDO:0011445, OMIM 604360.

Allele frequency attached by ClinVar (database versions not stated): TOPMed 0.00002; ExAC 0.00007; gnomAD exomes 0.00007; 1000 Genomes Project 30x 0.00031; 1000 Genomes Project 0.00040.
gnomAD v4.1: 76 of 1,613,844 alleles (0.0047%); highest among the groups gnomAD compares: East Asian, 0.02%; no homozygotes.

Submissions (3):

PreventionGenetics, part of Exact Sciences
Classification: Uncertain significance for SPG11-related condition. Last evaluated: 2026-08-03. Review status: criteria provided, single submitter. Criteria: ACMG Guidelines, 2015. Collection method: clinical testing. Allele origin: germline.
Comment: The SPG11 c.2012A>G variant is predicted to result in the amino acid substitution p.His671Arg. To our knowledge, this variant has not been reported in the literature. This variant is reported in 0.043% of alleles in individuals of East Asian descent in gnomAD. At this time, the clinical significance of this variant is uncertain due to the absence of conclusive functional and genetic evidence.

CeGaT Center for Human Genetics Tuebingen
Classification: Uncertain significance. Last evaluated: 2026-05-01. Review status: criteria provided, single submitter. Criteria: CeGaT Center For Human Genetics Tuebingen Variant Classification Criteria Version 2. Collection method: clinical testing. Allele origin: germline. Affected: yes. Observed: 1 variant allele.
Comment: SPG11: PM2, BP4

Labcorp Genetics (formerly Invitae), Labcorp
Classification: Uncertain significance for Hereditary spastic paraplegia 11. Last evaluated: 2022-10-20. Review status: criteria provided, single submitter. Criteria: Invitae Variant Classification Sherloc (09022015). Collection method: clinical testing. Allele origin: germline.
Comment: This sequence change replaces histidine, which is basic and polar, with arginine, which is basic and polar, at codon 671 of the SPG11 protein (p.His671Arg). This variant is present in population databases (rs189306815, gnomAD 0.04%). This variant has not been reported in the literature in individuals affected with SPG11-related conditions. ClinVar contains an entry for this variant (Variation ID: 941875). Advanced modeling of protein sequence and biophysical properties (such as structural, functional, and spatial information, amino acid conservation, physicochemical variation, residue mobility, and thermodynamic stability) performed at Invitae indicates that this missense variant is not expected to disrupt SPG11 protein function. In summary, the available evidence is currently insufficient to determine the role of this variant in disease. Therefore, it has been classified as a Variant of Uncertain Significance.